The following is an entry in ClinVar:

ClinVar aggregate classification (germline): Uncertain significance (1 of 4 stars; one submission).

Conditions:
Werner syndrome (WRN). Identifiers: Orphanet 902, MedGen C0043119, MONDO:0010196, OMIM 277700.

gnomAD v4.1: 1 of 1,614,106 alleles (0.000062%); highest among the groups gnomAD compares: African/African-American, 0.0013%; no homozygotes.

Submission:

Labcorp Genetics (formerly Invitae), Labcorp
Classification: Uncertain significance for Werner syndrome. Last evaluated: 2022-08-06. Review status: criteria provided, single submitter. Criteria: Invitae Variant Classification Sherloc (09022015). Collection method: clinical testing. Allele origin: germline.
Comment: This sequence change replaces aspartic acid, which is acidic and polar, with glycine, which is neutral and non-polar, at codon 954 of the WRN protein (p.Asp954Gly). In summary, the available evidence is currently insufficient to determine the role of this variant in disease. Therefore, it has been classified as a Variant of Uncertain Significance. Algorithms developed to predict the effect of sequence changes on RNA splicing suggest that this variant may create or strengthen a splice site. Algorithms developed to predict the effect of missense changes on protein structure and function are either unavailable or do not agree on the potential impact of this missense change (SIFT: "Not Available"; PolyPhen-2: "Benign"; Align-GVGD: "Not Available"). This variant has not been reported in the literature in individuals affected with WRN-related conditions. This variant is present in population databases (no rsID available, gnomAD 0.007%).

NM_000553.6(WRN):c.2861A>G (p.Asp954Gly)

Gene: WRN (WRN RecQ like helicase; plus strand). Cytogenetic location: 8p12.
Variant type: single nucleotide variant.
Coding change: c.2861A>G on transcript NM_000553.6 (MANE Select); coding-DNA position 2861, A replaced by G.
Protein change: p.Asp954Gly; replaces aspartic acid 954 with glycine.
Molecular consequence: missense variant.
Genome position (GRCh38, 1-based): chr8:31,132,400, A>G. VCF-style: chr8-31132400-A-G. GRCh37 (hg19) VCF-style: chr8-30989916-A-G.
Other names: short protein forms D954G.
Identifiers: ClinVar variation 1919774 (VCV001919774.5), dbSNP rs745491066, ClinGen allele CA370918896.